The following is an entry in ClinVar:

NM_001077350.3(NPRL3):c.562C>T (p.Gln188Ter)

Genes: HBA-LCR (alpha-globin locus control region; plus strand), NPRL3 (NPR3 like, GATOR1 complex subunit; minus strand). Cytogenetic location: 16p13.3.
Variant type: single nucleotide variant.
Coding change: c.562C>T on transcript NM_001077350.3 (MANE Select); coding-DNA position 562, C replaced by T.
Protein change: p.Gln188Ter; replaces glutamine 188 with a stop codon.
Molecular consequence: nonsense.
Genome position (GRCh38, 1-based): chr16:110,592, G>A on the plus strand (C>T on the coding strand, the complement: NPRL3 is on the minus strand). VCF-style: chr16-110592-G-A. GRCh37 (hg19) VCF-style: chr16-160590-G-A.
Other names: c.25C>T, p.Gln9Ter (NM_001039476.3); c.328C>T, p.Gln110Ter (NM_001243247.2); c.487C>T, p.Gln163Ter (NM_001243248.2, NM_001243249.2); short protein forms Q110*, Q9*, Q163*, Q188*.
Identifiers: ClinVar variation 2169582 (VCV002169582.4), dbSNP rs2542851981, ClinGen allele CA393992945.

ClinVar aggregate classification (germline): Pathogenic (1 of 4 stars; one submission).

Conditions:
Epilepsy, familial focal, with variable foci 3 (FFEVF3). Identifiers: MedGen C4310708, MONDO:0014925, OMIM 617118.

Submission:

Labcorp Genetics (formerly Invitae), Labcorp
Classification: Pathogenic for Epilepsy, familial focal, with variable foci 3. Last evaluated: 2024-10-30. Review status: criteria provided, single submitter. Criteria: Invitae Variant Classification Sherloc (09022015). Collection method: clinical testing. Allele origin: germline.
Comment: This sequence change creates a premature translational stop signal (p.Gln188*) in the NPRL3 gene. It is expected to result in an absent or disrupted protein product. Loss-of-function variants in NPRL3 are known to be pathogenic (PMID: 26285051, 26505888). This variant is not present in population databases (gnomAD no frequency). This premature translational stop signal has been observed in individual(s) with clinical features of NPRL3-related conditions (PMID: 30093711). ClinVar contains an entry for this variant (Variation ID: 2169582). For these reasons, this variant has been classified as Pathogenic.

Literature cited by the submitters: PubMed 26285051; PubMed 26505888; PubMed 30093711.